The following is an entry in ClinVar:

NM_003579.4(RAD54L):c.1073A>G (p.Glu358Gly)

Gene: RAD54L (RAD54 like; plus strand). Cytogenetic location: 1p34.1.
Variant type: single nucleotide variant.
Coding change: c.1073A>G on transcript NM_003579.4 (MANE Select); coding-DNA position 1073, A replaced by G.
Protein change: p.Glu358Gly; replaces glutamic acid 358 with glycine.
Molecular consequence: missense variant.
Genome position (GRCh38, 1-based): chr1:46,270,689, A>G. VCF-style: chr1-46270689-A-G. GRCh37 (hg19) VCF-style: chr1-46736361-A-G.
Other names: c.1073A>G, p.Glu358Gly (NM_001142548.2); c.533A>G, p.Glu178Gly (NM_001370766.1); short protein forms E178G, E358G.
Identifiers: ClinVar variation 2562814 (VCV002562814.2), dbSNP rs2525700831, ClinGen allele CA340174624.

ClinVar aggregate classification (germline): Uncertain significance (1 of 4 stars; one submission).

Allele frequency attached by ClinVar (database versions not stated): gnomAD exomes 0.00001.
gnomAD v4.1: 14 of 1,614,124 alleles (0.00087%); highest among the groups gnomAD compares: Non-Finnish European, 0.0012%; no homozygotes.

Submission:

Ambry Genetics
Classification: Uncertain significance. Last evaluated: 2023-06-11. Review status: criteria provided, single submitter. Criteria: Ambry Variant Classification Scheme 2023. Collection method: clinical testing. Allele origin: germline.
Comment: The p.E358G variant (also known as c.1073A>G), located in coding exon 10 of the RAD54L gene, results from an A to G substitution at nucleotide position 1073. The glutamic acid at codon 358 is replaced by glycine, an amino acid with similar properties. This amino acid position is conserved. In addition, this alteration is predicted to be deleterious by in silico analysis. Since supporting evidence is limited at this time, the clinical significance of this alteration remains unclear.